The following is an entry in ClinVar:

NM_001267550.2(TTN):c.101599C>G (p.Leu33867Val)

Genes: TTN (titin; minus strand), TTN-AS1 (TTN antisense RNA 1; plus strand). Cytogenetic location: 2q31.2.
Variant type: single nucleotide variant.
Coding change: c.101599C>G on transcript NM_001267550.2 (MANE Select); coding-DNA position 101599, C replaced by G.
Protein change: p.Leu33867Val; replaces leucine 33867 with valine.
Molecular consequence: missense variant.
Genome position (GRCh38, 1-based): chr2:178,535,016, G>C on the plus strand (C>G on the coding strand, the complement: TTN is on the minus strand). VCF-style: chr2-178535016-G-C. GRCh37 (hg19) VCF-style: chr2-179399743-G-C.
Other names: c.96676C>G, p.Leu32226Val (NM_001256850.1); c.74404C>G, p.Leu24802Val (NM_003319.4); c.93895C>G, p.Leu31299Val (NM_133378.4); c.74779C>G, p.Leu24927Val (NM_133432.3); c.74980C>G, p.Leu24994Val (NM_133437.4); short protein forms L33867V, L24802V, L32226V, L24927V, L24994V, L31299V.
Identifiers: ClinVar variation 466696 (VCV000466696.13), dbSNP rs76194811, ClinGen allele CA1985862.
Genomic context (GRCh38, chr2:178,535,016, plus strand): 5'-CTTCCATGCTTTCAAATGATTCATGGAGGTGTAAGATGTTTCTATGCCTAGCAATATTCA[G>C]AATGGAAATTTCCTTCTTTACCAAAACCTGATCAGTCCCTTTGACTTTAACAAATTTGGC-3'
Protein context (NP_001254479.2, residues 33857-33877): QVLVKKEISI[Leu33867Val]NIARHRNILH

ClinVar aggregate classification (germline): Conflicting classifications of pathogenicity. Review status: criteria provided, conflicting classifications (1 of 4 stars). 4 submissions from 4 submitters: Uncertain significance (3); Likely benign (1). Last evaluated 2026-07-01.

Conditions:
TTN-related disorder. Also called: TTN-related disorders; TTN-related condition; TTN-related disease.
Dilated cardiomyopathy 1G (CMD1G). Identifiers: Orphanet 154, MedGen C1858763, MONDO:0011400, OMIM 604145.
Autosomal recessive limb-girdle muscular dystrophy type 2J (LGMDR10). Also called: Limb-girdle muscular dystrophy, type 2J; MUSCULAR DYSTROPHY, LIMB-GIRDLE, AUTOSOMAL RECESSIVE 10. Identifiers: Orphanet 140922, MedGen C1837342, MONDO:0012127, OMIM 608807.

Allele frequency attached by ClinVar (database versions not stated): gnomAD 0.00002 and 0.00003; TOPMed 0.00003; gnomAD exomes 0.00008; ExAC 0.00009; 1000 Genomes Project 30x 0.00016; 1000 Genomes Project 0.00020.
gnomAD v4.1: 77 of 1,613,796 alleles (0.0048%); highest among the groups gnomAD compares: East Asian, 0.14%; no homozygotes.

Submissions (4):

CeGaT Center for Human Genetics Tuebingen
Classification: Uncertain significance. Last evaluated: 2026-07-01. Review status: criteria provided, single submitter. Criteria: CeGaT Center For Human Genetics Tuebingen Variant Classification Criteria Version 2. Collection method: clinical testing. Allele origin: germline. Affected: yes. Observed: 3 variant alleles.
Comment: TTN: PM2

PreventionGenetics, part of Exact Sciences
Classification: Uncertain significance for TTN-related condition. Last evaluated: 2026-04-15. Review status: criteria provided, single submitter. Criteria: ACMG Guidelines, 2015. Collection method: clinical testing. Allele origin: germline.
Comment: The TTN c.101599C>G variant is predicted to result in the amino acid substitution p.Leu33867Val. To our knowledge, this variant has not been reported in the literature. This variant is reported in 0.11% of alleles in individuals of East Asian descent in gnomAD. At this time, the clinical significance of this variant is uncertain due to the absence of conclusive functional and genetic evidence.

Blueprint Genetics
Classification: Likely benign. Last evaluated: 2024-03-12. Review status: criteria provided, single submitter. Criteria: ACMG Guidelines, 2015. Collection method: clinical testing. Allele origin: germline.

Labcorp Genetics (formerly Invitae), Labcorp
Classification: Uncertain significance for Dilated cardiomyopathy 1G; Autosomal recessive limb-girdle muscular dystrophy type 2J. Last evaluated: 2017-10-25. Review status: criteria provided, single submitter. Criteria: Invitae Variant Classification Sherloc (09022015). Collection method: clinical testing. Allele origin: germline.